The following is an entry in ClinVar:

NM_006517.5(SLC16A2):c.96_97insCCTGAGCCGGAG (p.Glu32_Ser33insProGluProGlu)

Gene: SLC16A2 (solute carrier family 16 member 2; plus strand). Cytogenetic location: Xq13.2.
Variant type: Insertion.
Coding change: c.96_97insCCTGAGCCGGAG on transcript NM_006517.5 (MANE Select); coding-DNA positions 96 to 97, CCTGAGCCGGAG inserted.
Protein change: p.Glu32_Ser33insProGluProGlu.
Molecular consequence: inframe insertion.
Genome position: GRCh38 VCF-style: chrX-74421724-A-AGAGCCGGAGCCT. GRCh37 (hg19) VCF-style: chrX-73641559-A-AGAGCCGGAGCCT.
Identifiers: ClinVar variation 2037972 (VCV002037972.4), dbSNP rs1383594486, ClinGen allele CA878054780.

ClinVar aggregate classification (germline): Uncertain significance (1 of 4 stars; one submission).

Conditions:
Spastic paraplegia. Identifiers: MedGen C0037772, HP:0001258.

Submission:

Labcorp Genetics (formerly Invitae), Labcorp
Classification: Uncertain significance for Spastic paraplegia. Last evaluated: 2024-03-13. Review status: criteria provided, single submitter. Criteria: Invitae Variant Classification Sherloc (09022015). Collection method: clinical testing. Allele origin: germline.
Comment: This variant, c.96_97insCCTGAGCCGGAG, results in the insertion of 4 amino acid(s) of the SLC16A2 protein (p.Pro29_Glu32dup), but otherwise preserves the integrity of the reading frame. This variant is not present in population databases (gnomAD no frequency). This variant has not been reported in the literature in individuals affected with SLC16A2-related conditions. ClinVar contains an entry for this variant (Variation ID: 2037972). Experimental studies and prediction algorithms are not available or were not evaluated, and the functional significance of this variant is currently unknown. In summary, the available evidence is currently insufficient to determine the role of this variant in disease. Therefore, it has been classified as a Variant of Uncertain Significance.